The following is an entry in ClinVar:

NM_032578.4(MYPN):c.256G>T (p.Asp86Tyr)

Gene: MYPN (myopalladin; plus strand). Cytogenetic location: 10q21.3.
Variant type: single nucleotide variant.
Coding change: c.256G>T on transcript NM_032578.4 (MANE Select); coding-DNA position 256, G replaced by T.
Protein change: p.Asp86Tyr; replaces aspartic acid 86 with tyrosine.
Molecular consequence: missense variant. On other transcripts: 5 prime UTR variant (1), non-coding transcript variant (1).
Genome position (GRCh38, 1-based): chr10:68,121,694, G>T. VCF-style: chr10-68121694-G-T. GRCh37 (hg19) VCF-style: chr10-69881451-G-T.
Other names: c.256G>T, p.Asp86Tyr (NM_001256267.2); c.-867G>T (NM_001256268.2); c.256G>T (NM_032578.2); short protein forms D86Y.
Identifiers: ClinVar variation 1400112 (VCV001400112.6), dbSNP rs776901756, ClinGen allele CA377103941.

ClinVar aggregate classification (germline): Uncertain significance. Review status: criteria provided, multiple submitters, no conflicts (2 of 4 stars). 2 submissions from 2 submitters: Uncertain significance (2). Last evaluated 2024-06-30.

Conditions:
Cardiovascular phenotype. Identifiers: MedGen CN230736.
Dilated cardiomyopathy 1KK (CMD1KK). Identifiers: Orphanet 154, Orphanet 75249, MedGen C3714995, MONDO:0014100, OMIM 615248.

Allele frequency attached by ClinVar (database versions not stated): gnomAD 0.00001; TOPMed 0.00001.

Submissions (2):

Ambry Genetics
Classification: Uncertain significance for Cardiovascular phenotype. Last evaluated: 2024-06-30. Review status: criteria provided, single submitter. Criteria: Ambry Variant Classification Scheme 2023. Collection method: clinical testing. Allele origin: germline.
Comment: The p.D86Y variant (also known as c.256G>T), located in coding exon 1 of the MYPN gene, results from a G to T substitution at nucleotide position 256. The aspartic acid at codon 86 is replaced by tyrosine, an amino acid with highly dissimilar properties. This amino acid position is conserved. In addition, the in silico prediction for this alteration is inconclusive. Based on the available evidence, the clinical significance of this variant remains unclear.

Labcorp Genetics (formerly Invitae), Labcorp
Classification: Uncertain significance for Dilated cardiomyopathy 1KK. Last evaluated: 2021-09-24. Review status: criteria provided, single submitter. Criteria: Invitae Variant Classification Sherloc (09022015). Collection method: clinical testing. Allele origin: germline.
Comment: This sequence change replaces aspartic acid with tyrosine at codon 86 of the MYPN protein (p.Asp86Tyr). The aspartic acid residue is moderately conserved and there is a large physicochemical difference between aspartic acid and tyrosine. This variant is not present in population databases (ExAC no frequency). This variant has not been reported in the literature in individuals with MYPN-related conditions. Algorithms developed to predict the effect of missense changes on protein structure and function are either unavailable or do not agree on the potential impact of this missense change (SIFT: "Deleterious"; PolyPhen-2: "Possibly Damaging"; Align-GVGD: "Class C0"). In summary, the available evidence is currently insufficient to determine the role of this variant in disease. Therefore, it has been classified as a Variant of Uncertain Significance.